The following is an entry in ClinVar:

NM_172240.3(POC1B):c.1032+4A>G

Genes: POC1B (POC1 centriolar protein B; minus strand), POC1B-DUSP6 (POC1B-DUSP6 readthrough; minus strand). Cytogenetic location: 12q21.33.
Variant type: single nucleotide variant.
Coding change: c.1032+4A>G on transcript NM_172240.3 (MANE Select); 4 bases into the intron after coding-DNA position 1032, A replaced by G.
Molecular consequence: intron variant.
Genome position (GRCh38, 1-based): chr12:89,466,766, T>C on the plus strand (A>G on the coding strand, the complement: POC1B is on the minus strand). VCF-style: chr12-89466766-T-C. GRCh37 (hg19) VCF-style: chr12-89860543-T-C.
Other names: c.906+4A>G (NM_001199777.2).
Identifiers: ClinVar variation 957075 (VCV000957075.9), dbSNP rs759980932, ClinGen allele CA6714326.

ClinVar aggregate classification (germline): Uncertain significance. Review status: criteria provided, multiple submitters, no conflicts (2 of 4 stars). 3 submissions from 3 submitters: Uncertain significance (3). Last evaluated 2024-04-29.

Conditions:
Cone-rod dystrophy 20 (CORD20). Identifiers: Orphanet 1872, MedGen C4014856, MONDO:0014427, OMIM 615973.

Allele frequency attached by ClinVar (database versions not stated): gnomAD 0.00001; gnomAD exomes 0.00001; TOPMed 0.00001; ExAC 0.00002.
gnomAD v4.1: 18 of 1,601,938 alleles (0.0011%); highest among the groups gnomAD compares: Middle Eastern, 0.017%; no homozygotes.

Submissions (3):

Fulgent Genetics
Classification: Uncertain significance for Cone-rod dystrophy 20. Last evaluated: 2024-04-29. Review status: criteria provided, single submitter. Criteria: ACMG Guidelines, 2015. Collection method: clinical testing. Allele origin: germline.

Labcorp Genetics (formerly Invitae), Labcorp
Classification: Uncertain significance. Last evaluated: 2024-02-26. Review status: criteria provided, single submitter. Criteria: Invitae Variant Classification Sherloc (09022015). Collection method: clinical testing. Allele origin: germline.
Comment: This sequence change falls in intron 9 of the POC1B gene. It does not directly change the encoded amino acid sequence of the POC1B protein. It affects a nucleotide within the consensus splice site. This variant is present in population databases (rs759980932, gnomAD 0.003%). This variant has not been reported in the literature in individuals affected with POC1B-related conditions. ClinVar contains an entry for this variant (Variation ID: 957075). Variants that disrupt the consensus splice site are a relatively common cause of aberrant splicing (PMID: 17576681, 9536098). Algorithms developed to predict the effect of sequence changes on RNA splicing suggest that this variant may disrupt the consensus splice site. In summary, the available evidence is currently insufficient to determine the role of this variant in disease. Therefore, it has been classified as a Variant of Uncertain Significance.

Blueprint Genetics
Classification: Uncertain significance. Last evaluated: 2023-12-28. Review status: criteria provided, single submitter. Criteria: ACMG Guidelines, 2015. Collection method: clinical testing. Allele origin: germline.

Literature cited by the submitters: PubMed 17576681 (cited by Labcorp Genetics (formerly Invitae), Labcorp); PubMed 9536098 (cited by Labcorp Genetics (formerly Invitae), Labcorp).